The following is an entry in ClinVar:

NM_001723.7(DST):c.3374G>A (p.Arg1125His)

Gene: DST (dystonin; minus strand). Cytogenetic location: 6p12.1.
Variant type: single nucleotide variant.
Coding change: c.3374G>A on transcript NM_001723.7 (MANE Plus Clinical); coding-DNA position 3374, G replaced by A.
Protein change: p.Arg1125His; replaces arginine 1125 with histidine.
Molecular consequence: missense variant. On other transcripts: intron variant (10).
Genome position (GRCh38, 1-based): chr6:56,620,660, C>T on the plus strand (G>A on the coding strand, the complement: DST is on the minus strand). VCF-style: chr6-56620660-C-T. GRCh37 (hg19) VCF-style: chr6-56485458-C-T.
Other names: c.4830+3870G>A (NM_001144769.5); c.4929+3870G>A (NM_001374722.1, NM_001374736.1); c.4956+3870G>A (NM_001374734.1); c.4416+3870G>A (NM_001144770.2); c.4296+3870G>A (NM_001374730.1, NM_001386100.1, NM_183380.4 and 1 more transcripts); c.3318+3870G>A (NM_015548.5); short protein forms R1125H.
Identifiers: ClinVar variation 949947 (VCV000949947.10), dbSNP rs528372361, ClinGen allele CA3870723.

ClinVar aggregate classification (germline): Uncertain significance (1 of 4 stars; one submission).

Conditions:
Epidermolysis bullosa simplex 3, localized or generalized intermediate, with BP230 deficiency (EBS3). Also called: Epidermolysis bullosa simplex due to BP230 deficiency; Epidermolysis bullosa simplex, autosomal recessive 2. Identifiers: Orphanet 412181, MedGen C3809470, MONDO:0014180, OMIM 615425.
Hereditary sensory and autonomic neuropathy type 6. Also called: Neuropathy, hereditary sensory and autonomic, type VI; HSAN VI. Identifiers: Orphanet 314381, MedGen C3539003, MONDO:0013839, OMIM 614653.

gnomAD v4.1: 6 of 1,614,124 alleles (0.00037%); highest among the groups gnomAD compares: East Asian, 0.0022%; no homozygotes.

Submission:

Labcorp Genetics (formerly Invitae), Labcorp
Classification: Uncertain significance for Epidermolysis bullosa simplex 3, localized or generalized intermediate, with BP230 deficiency; Hereditary sensory and autonomic neuropathy type 6. Last evaluated: 2019-04-26. Review status: criteria provided, single submitter. Criteria: Invitae Variant Classification Sherloc (09022015). Collection method: clinical testing. Allele origin: germline.
Comment: In summary, the available evidence is currently insufficient to determine the role of this variant in disease. Therefore, it has been classified as a Variant of Uncertain Significance. Algorithms developed to predict the effect of missense changes on protein structure and function (SIFT, PolyPhen-2, Align-GVGD) all suggest that this variant is likely to be disruptive, but these predictions have not been confirmed by published functional studies and their clinical significance is uncertain. This variant has not been reported in the literature in individuals with DST-related conditions. This variant is present in population databases (rs528372361, ExAC 0.002%). This sequence change replaces arginine with histidine at codon 1125 of the DST protein (p.Arg1125His). The arginine residue is highly conserved and there is a small physicochemical difference between arginine and histidine.